The following is an entry in ClinVar:

ClinVar aggregate classification (germline): Uncertain significance (1 of 4 stars; one submission).

gnomAD v4.1: 2 of 1,614,062 alleles (0.00012%); highest among the groups gnomAD compares: Non-Finnish European, 0.000085%; no homozygotes.

Submission:

CeGaT Center for Human Genetics Tuebingen
Classification: Uncertain significance. Last evaluated: 2022-04-01. Review status: criteria provided, single submitter. Criteria: CeGaT Center For Human Genetics Tuebingen Variant Classification Criteria Version 2. Collection method: clinical testing. Allele origin: germline. Affected: yes. Observed: 1 variant allele.
Comment: NLRP12: PM2

NM_144687.4(NLRP12):c.1207G>T (p.Val403Phe)

Gene: NLRP12 (NLR family pyrin domain containing 12; minus strand). Cytogenetic location: 19q13.42.
Variant type: single nucleotide variant.
Coding change: c.1207G>T on transcript NM_144687.4 (MANE Select); coding-DNA position 1207, G replaced by T.
Protein change: p.Val403Phe; replaces valine 403 with phenylalanine.
Molecular consequence: missense variant.
Genome position (GRCh38, 1-based): chr19:53,810,452, C>A on the plus strand (G>T on the coding strand, the complement: NLRP12 is on the minus strand). VCF-style: chr19-53810452-C-A. GRCh37 (hg19) VCF-style: chr19-54313706-C-A.
Other names: c.1207G>T, p.Val403Phe (NM_001277126.2, NM_001277129.1); short protein forms V403F.
Identifiers: ClinVar variation 1694939 (VCV001694939.31), dbSNP rs765948822, ClinGen allele CA407414003.